The following is an entry in ClinVar:

ClinVar aggregate classification (germline): Uncertain significance. Review status: criteria provided, multiple submitters, no conflicts (2 of 4 stars). 2 submissions from 2 submitters: Uncertain significance (2). Last evaluated 2026-02-27.

Conditions:
Inborn genetic diseases. Identifiers: MedGen C0950123, MeSH D030342.

Submissions (2):

Ambry Genetics
Classification: Uncertain significance for Inborn genetic diseases. Last evaluated: 2026-02-27. Review status: criteria provided, single submitter. Criteria: Ambry Variant Classification Scheme 2023. Collection method: clinical testing. Allele origin: germline.

Labcorp Genetics (formerly Invitae), Labcorp
Classification: Uncertain significance. Last evaluated: 2025-12-19. Review status: criteria provided, single submitter. Criteria: Invitae Variant Classification Sherloc (09022015). Collection method: clinical testing. Allele origin: germline.
Comment: This sequence change replaces arginine, which is basic and polar, with histidine, which is basic and polar, at codon 589 of the ITGB3 protein (p.Arg589His). This variant is present in population databases (rs761537421, gnomAD 0.004%). This variant has not been reported in the literature in individuals affected with ITGB3-related conditions. Invitae Evidence Modeling of protein sequence and biophysical properties (such as structural, functional, and spatial information, amino acid conservation, physicochemical variation, residue mobility, and thermodynamic stability) has been performed for this missense variant. However, the output from this modeling did not meet the statistical confidence thresholds required to predict the impact of this variant on ITGB3 protein function. In summary, the available evidence is currently insufficient to determine the role of this variant in disease. Therefore, it has been classified as a Variant of Uncertain Significance.

NM_000212.3(ITGB3):c.1766G>A (p.Arg589His)

Gene: ITGB3 (integrin subunit beta 3; plus strand). Cytogenetic location: 17q21.32.
Variant type: single nucleotide variant.
Coding change: c.1766G>A on transcript NM_000212.3 (MANE Select); coding-DNA position 1766, G replaced by A.
Protein change: p.Arg589His; replaces arginine 589 with histidine.
Molecular consequence: missense variant.
Genome position (GRCh38, 1-based): chr17:47,299,383, G>A. VCF-style: chr17-47299383-G-A. GRCh37 (hg19) VCF-style: chr17-45376749-G-A.
Other names: short protein forms R589H.
Identifiers: ClinVar variation 4754358 (VCV004754358.2).